The following is an entry in ClinVar:

NM_001276345.2(TNNT2):c.638C>G (p.Thr213Ser)

Gene: TNNT2 (troponin T2, cardiac type; minus strand). Cytogenetic location: 1q32.1.
Variant type: single nucleotide variant.
Coding change: c.638C>G on transcript NM_001276345.2 (MANE Select); coding-DNA position 638, C replaced by G.
Protein change: p.Thr213Ser; replaces threonine 213 with serine.
Molecular consequence: missense variant.
Genome position (GRCh38, 1-based): chr1:201,361,994, G>C on the plus strand (C>G on the coding strand, the complement: TNNT2 is on the minus strand). VCF-style: chr1-201361994-G-C. GRCh37 (hg19) VCF-style: chr1-201331122-G-C.
Other names: c.629C>G, p.Thr210Ser (NM_000364.4); c.608C>G, p.Thr203Ser (NM_001001430.3, NM_001276347.2); c.599C>G, p.Thr200Ser (NM_001001431.3); c.590C>G, p.Thr197Ser (NM_001001432.3); c.509C>G, p.Thr170Ser (NM_001276346.2); short protein forms T203S, T170S, T200S, T210S, T213S, T197S.
Identifiers: ClinVar variation 1478744 (VCV001478744.6), dbSNP rs397516476, ClinGen allele CA344203880.

ClinVar aggregate classification (germline): Uncertain significance (1 of 4 stars; one submission).

Conditions:
Dilated cardiomyopathy 1D. Identifiers: Orphanet 154, Orphanet 54260, MedGen C1832243, MONDO:0011095, OMIM 601494.
Cardiomyopathy, familial restrictive, 3. Identifiers: Orphanet 75249, MedGen C2676271, MONDO:0012900, OMIM 612422.
Hypertrophic cardiomyopathy 2. Also called: TNNT2-Related Familial Hypertrophic Cardiomyopathy. Identifiers: MedGen C1861864, MONDO:0007266, OMIM 115195.

Submission:

Labcorp Genetics (formerly Invitae), Labcorp
Classification: Uncertain significance for Cardiomyopathy, familial restrictive, 3; Hypertrophic cardiomyopathy 2; Dilated cardiomyopathy 1D. Last evaluated: 2024-10-03. Review status: criteria provided, single submitter. Criteria: Invitae Variant Classification Sherloc (09022015). Collection method: clinical testing. Allele origin: germline.
Comment: This sequence change replaces threonine, which is neutral and polar, with serine, which is neutral and polar, at codon 203 of the TNNT2 protein (p.Thr203Ser). This variant is not present in population databases (gnomAD no frequency). This variant has not been reported in the literature in individuals affected with TNNT2-related conditions. ClinVar contains an entry for this variant (Variation ID: 1478744). Invitae Evidence Modeling of protein sequence and biophysical properties (such as structural, functional, and spatial information, amino acid conservation, physicochemical variation, residue mobility, and thermodynamic stability) has been performed for this missense variant. However, the output from this modeling did not meet the statistical confidence thresholds required to predict the impact of this variant on TNNT2 protein function. This variant disrupts the p.Thr203 amino acid residue in TNNT2. Other variant(s) that disrupt this residue have been determined to be pathogenic (internal data). This suggests that this residue is clinically significant, and that variants that disrupt this residue are likely to be disease-causing. In summary, the available evidence is currently insufficient to determine the role of this variant in disease. Therefore, it has been classified as a Variant of Uncertain Significance.